The following is an entry in ClinVar:

ClinVar aggregate classification (germline): Uncertain significance. Review status: criteria provided, multiple submitters, no conflicts (2 of 4 stars). 2 submissions from 2 submitters: Uncertain significance (2). Last evaluated 2025-10-30.

Conditions:
Generalized epilepsy with febrile seizures plus, type 7 (GEFSP7). Also called: GEFS+, TYPE 7. Identifiers: Orphanet 36387, MedGen C2751778, MONDO:0013470, OMIM 613863.
Neuropathy, hereditary sensory and autonomic, type 2A (HSAN2A). Also called: HSAN IIA; WNK1-Related HSAN2 (HSAN2A); MORVAN DISEASE; NEUROPATHY, CONGENITAL SENSORY; NEUROPATHY, HEREDITARY SENSORY RADICULAR, AUTOSOMAL RECESSIVE; NEUROPATHY, HEREDITARY SENSORY, TYPE IIA. Identifiers: Orphanet 970, MedGen C2752089, MONDO:0024309, OMIM 201300.
Inborn genetic diseases. Identifiers: MedGen C0950123, MeSH D030342.

Allele frequency attached by ClinVar (database versions not stated): gnomAD exomes below 0.00001; ExAC 0.00001; gnomAD 0.00001 and 0.00002; TOPMed 0.00005.

Submissions (2):

Ambry Genetics
Classification: Uncertain significance for Inborn genetic diseases. Last evaluated: 2025-10-30. Review status: criteria provided, single submitter. Criteria: Ambry Variant Classification Scheme 2023. Collection method: clinical testing. Allele origin: germline.

Labcorp Genetics (formerly Invitae), Labcorp
Classification: Uncertain significance for Neuropathy, hereditary sensory and autonomic, type 2A; Generalized epilepsy with febrile seizures plus, type 7. Last evaluated: 2024-10-21. Review status: criteria provided, single submitter. Criteria: Invitae Variant Classification Sherloc (09022015). Collection method: clinical testing. Allele origin: germline.
Comment: This sequence change replaces leucine, which is neutral and non-polar, with phenylalanine, which is neutral and non-polar, at codon 219 of the SCN9A protein (p.Leu219Phe). This variant is present in population databases (rs745838757, gnomAD 0.02%). This variant has not been reported in the literature in individuals affected with SCN9A-related conditions. ClinVar contains an entry for this variant (Variation ID: 663467). Invitae Evidence Modeling of protein sequence and biophysical properties (such as structural, functional, and spatial information, amino acid conservation, physicochemical variation, residue mobility, and thermodynamic stability) indicates that this missense variant is not expected to disrupt SCN9A protein function with a negative predictive value of 95%. In summary, the available evidence is currently insufficient to determine the role of this variant in disease. Therefore, it has been classified as a Variant of Uncertain Significance.

NM_001365536.1(SCN9A):c.657G>C (p.Leu219Phe)

Gene: SCN9A (sodium voltage-gated channel alpha subunit 9; minus strand). Cytogenetic location: 2q24.3.
Variant type: single nucleotide variant.
Coding change: c.657G>C on transcript NM_001365536.1 (MANE Select); coding-DNA position 657, G replaced by C.
Protein change: p.Leu219Phe; replaces leucine 219 with phenylalanine.
Molecular consequence: missense variant.
Genome position (GRCh38, 1-based): chr2:166,304,269, C>G on the plus strand (G>C on the coding strand, the complement: SCN9A is on the minus strand). VCF-style: chr2-166304269-C-G. GRCh37 (hg19) VCF-style: chr2-167160779-C-G.
Other names: c.657G>C, p.Leu219Phe (NM_002977.4); short protein forms L219F.
Identifiers: ClinVar variation 663467 (VCV000663467.10), dbSNP rs745838757, ClinGen allele CA1944737.